The following is an entry in ClinVar:

ClinVar aggregate classification (germline): Uncertain significance (1 of 4 stars; one submission).

Conditions:
Inborn genetic diseases. Identifiers: MedGen C0950123, MeSH D030342.

Submission:

Ambry Genetics
Classification: Uncertain significance for Inborn genetic diseases. Last evaluated: 2025-04-11. Review status: criteria provided, single submitter. Criteria: Ambry Variant Classification Scheme 2023. Collection method: clinical testing. Allele origin: germline.
Comment: The p.H745Q variant (also known as c.2235C>A), located in coding exon 21 of the ANKRD26 gene, results from a C to A substitution at nucleotide position 2235. The histidine at codon 745 is replaced by glutamine, an amino acid with highly similar properties. This amino acid position is conserved. In addition, this alteration is predicted to be tolerated by in silico analysis. Based on the available evidence, the clinical significance of this variant remains unclear.

NM_014915.3(ANKRD26):c.2235C>A (p.His745Gln)

Gene: ANKRD26 (ankyrin repeat domain containing 26; minus strand). Cytogenetic location: 10p12.1.
Variant type: single nucleotide variant.
Coding change: c.2235C>A on transcript NM_014915.3 (MANE Select); coding-DNA position 2235, C replaced by A.
Protein change: p.His745Gln; replaces histidine 745 with glutamine.
Molecular consequence: missense variant.
Genome position (GRCh38, 1-based): chr10:27,040,105, G>T on the plus strand (C>A on the coding strand, the complement: ANKRD26 is on the minus strand). VCF-style: chr10-27040105-G-T. GRCh37 (hg19) VCF-style: chr10-27329034-G-T.
Other names: c.2232C>A, p.His744Gln (NM_001256053.2); short protein forms H745Q, H744Q.
Identifiers: ClinVar variation 3913661 (VCV003913661.1).